The following is an entry in ClinVar:

NM_024529.5(CDC73):c.892T>A (p.Phe298Ile)

Gene: CDC73 (cell division cycle 73; plus strand). Cytogenetic location: 1q31.2.
Variant type: single nucleotide variant.
Coding change: c.892T>A on transcript NM_024529.5 (MANE Select); coding-DNA position 892, T replaced by A.
Protein change: p.Phe298Ile; replaces phenylalanine 298 with isoleucine.
Molecular consequence: missense variant.
Genome position (GRCh38, 1-based): chr1:193,150,367, T>A. VCF-style: chr1-193150367-T-A. GRCh37 (hg19) VCF-style: chr1-193119497-T-A.
Other names: short protein forms F298I.
Identifiers: ClinVar variation 3647996 (VCV003647996.2).
Genomic context (GRCh38, chr1:193,150,367, plus strand): 5'-CCCACTTTGCGCACCAAACAGCCTATCCCAGCTGCCTATAACAGATACGATCAGGAAAGA[T>A]TCAAAGGAAAAGAAGGCAAGTTGCTTAATTCTTATCTTCCCCTTAGTGTGGTTGTGTTGA-3'
Protein context (NP_078805.3, residues 288-308): AAYNRYDQER[Phe298Ile]KGKEETEGFK

ClinVar aggregate classification (germline): Uncertain significance (1 of 4 stars; one submission).

Conditions:
Parathyroid carcinoma (PRTC). Also called: CDC73-Related Parathyroid Carcinoma; Parathyroid gland carcinoma. Identifiers: Orphanet 143, MedGen C0687150, MONDO:0012004, OMIM 608266, HP:0006780.

Submission:

Labcorp Genetics (formerly Invitae), Labcorp
Classification: Uncertain significance for Parathyroid carcinoma. Last evaluated: 2024-03-28. Review status: criteria provided, single submitter. Criteria: Invitae Variant Classification Sherloc (09022015). Collection method: clinical testing. Allele origin: germline.
Comment: This sequence change replaces phenylalanine, which is neutral and non-polar, with isoleucine, which is neutral and non-polar, at codon 298 of the CDC73 protein (p.Phe298Ile). This variant is not present in population databases (gnomAD no frequency). This variant has not been reported in the literature in individuals affected with CDC73-related conditions. Advanced modeling of protein sequence and biophysical properties (such as structural, functional, and spatial information, amino acid conservation, physicochemical variation, residue mobility, and thermodynamic stability) performed at Invitae indicates that this missense variant is expected to disrupt CDC73 protein function with a positive predictive value of 80%. In summary, the available evidence is currently insufficient to determine the role of this variant in disease. Therefore, it has been classified as a Variant of Uncertain Significance.